The following is an entry in ClinVar:

NC_000016.9:g.(?_68771309)_(68867412_?)dup

Genes: CDH1 (cadherin 1; plus strand), LOC112486201 (Sharpr-MPRA regulatory region 4224; plus strand), LOC128772402 (melanoma risk locus-associated MPRA allelic enhancer 16:68776246; plus strand), LOC128772403 (melanoma risk locus-associated MPRA allelic enhancer 16:68780069; plus strand), LOC128772404 (melanoma risk locus-associated MPRA allelic enhancer 16:68790502; plus strand) and 21 more. Cytogenetic location: 16q22.1.
Variant type: Duplication.
Identifiers: ClinVar variation 584183 (VCV000584183.3).

ClinVar aggregate classification (germline): Uncertain significance (1 of 4 stars; one submission).

Conditions:
Hereditary diffuse gastric adenocarcinoma (HDGC). Also called: DIFFUSE GASTRIC AND LOBULAR BREAST CANCER SYNDROME. Identifiers: Orphanet 26106, MedGen C1708349, MONDO:0007648, OMIM 137215.

Submission:

Labcorp Genetics (formerly Invitae), Labcorp
Classification: Uncertain significance for Hereditary diffuse gastric cancer. Last evaluated: 2019-07-06. Review status: criteria provided, single submitter. Criteria: Invitae Variant Classification Sherloc (09022015). Collection method: clinical testing. Allele origin: germline.
Comment: This variant results in a copy number gain of the genomic region encompassing the full coding sequence of the CDH1 gene. The boundaries of this event are unknown as they extend beyond the assayed region for this gene and therefore may encompass additional genes. As the precise location of this event is unknown, it may be in tandem or it may be located elsewhere in the genome. This variant has not been reported in the literature in individuals with CDH1-related conditions. Experimental studies and prediction algorithms are not available or were not evaluated for this variant, and the functional significance of the affected amino acid(s) is currently unknown. In summary, the available evidence is currently insufficient to determine the role of this variant in disease. Therefore, it has been classified as a Variant of Uncertain Significance.